The following is an entry in ClinVar:

NM_004006.3(DMD):c.7175A>G (p.Glu2392Gly)

Gene: DMD (dystrophin; minus strand). Cytogenetic location: Xp21.1.
Variant type: single nucleotide variant.
Coding change: c.7175A>G on transcript NM_004006.3 (MANE Select); coding-DNA position 7175, A replaced by G.
Protein change: p.Glu2392Gly; replaces glutamic acid 2392 with glycine.
Molecular consequence: missense variant. On other transcripts: 5 prime UTR variant (5).
Genome position (GRCh38, 1-based): chrX:31,836,743, T>C on the plus strand (A>G on the coding strand, the complement: DMD is on the minus strand). VCF-style: chrX-31836743-T-C. GRCh37 (hg19) VCF-style: chrX-31854860-T-C.
Other names: c.7151A>G, p.Glu2384Gly (NM_000109.4); c.7163A>G, p.Glu2388Gly (NM_004009.3); c.6806A>G, p.Glu2269Gly (NM_004010.3); c.3152A>G, p.Glu1051Gly (NM_004011.4); c.3143A>G, p.Glu1048Gly (NM_004012.4); c.-206A>G (NM_004013.3, NM_004020.4, NM_004021.3 and 2 more transcripts); short protein forms E1048G, E1051G, E2269G, E2384G, E2388G, E2392G.
Identifiers: ClinVar variation 3367838 (VCV003367838.1).

ClinVar aggregate classification (germline): Uncertain significance (1 of 4 stars; one submission).

gnomAD v4.1: 1 of 1,211,869 alleles (0.000083%); highest among the groups gnomAD compares: Non-Finnish European, 0.00011%; no homozygotes.

Submission:

GeneDx
Classification: Uncertain significance. Last evaluated: 2024-01-10. Review status: criteria provided, single submitter. Criteria: GeneDx Variant Classification Process June 2021. Collection method: clinical testing. Allele origin: germline. Affected: yes.
Comment: Not observed at significant frequency in large population cohorts (gnomAD); In silico analysis supports that this missense variant has a deleterious effect on protein structure/function; Missense variant in a gene in which most reported pathogenic variants are truncating/loss of function; Has not been previously published as pathogenic or benign to our knowledge